The following is an entry in ClinVar:

NM_004638.4(PRRC2A):c.5683T>G (p.Leu1895Val)

Gene: PRRC2A (proline rich coiled-coil 2A; plus strand). Cytogenetic location: 6p21.33.
Variant type: single nucleotide variant.
Coding change: c.5683T>G on transcript NM_004638.4 (MANE Select); coding-DNA position 5683, T replaced by G.
Protein change: p.Leu1895Val; replaces leucine 1895 with valine.
Molecular consequence: missense variant.
Genome position (GRCh38, 1-based): chr6:31,636,267, T>G. VCF-style: chr6-31636267-T-G. GRCh37 (hg19) VCF-style: chr6-31604044-T-G.
Other names: NC_000006.11:g.31604044T>G; c.5683T>G, p.Leu1895Val (NM_080686.3); short protein forms L1895V.
Identifiers: ClinVar variation 3059796 (VCV003059796.3), dbSNP rs3132453, ClinGen allele CA3716613.

ClinVar aggregate classification (germline): Benign (0 of 4 stars; one submission).

Conditions:
PRRC2A-related disorder. Also called: PRRC2A-related condition.

Allele frequency attached by ClinVar (database versions not stated): gnomAD exomes 0.93347; ESP Exome Variant Server 0.95141; gnomAD 0.95605; ExAC 0.95861; TOPMed 0.96038; 1000 Genomes Project 30x 0.98517; 1000 Genomes Project 0.98522.
gnomAD v4.1: 1,509,679 of 1,612,854 alleles (94%); highest among the groups gnomAD compares: East Asian, 100%; 707,474 homozygotes.

Submissions (2):

PreventionGenetics, part of Exact Sciences
Classification: Benign for PRRC2A-related condition. Last evaluated: 2019-10-17. Review status: no assertion criteria provided. Collection method: clinical testing. Allele origin: germline.
Comment: This variant is classified as benign based on ACMG/AMP sequence variant interpretation guidelines (Richards et al. 2015 PMID: 25741868, with internal and published modifications).

Dr. Peter K. Rogan Lab, Western University
No classification provided (evidence only). Condition: Familial cancer of breast. Review status: no classification provided. Collection method: in vitro. Allele origin: not applicable. Functional consequence: retained intron. Not counted in ClinVar's aggregate classification.